The following is an entry in ClinVar:

NM_020937.4(FANCM):c.4187C>T (p.Pro1396Leu)

Gene: FANCM (FA complementation group M; plus strand). Cytogenetic location: 14q21.2.
Variant type: single nucleotide variant.
Coding change: c.4187C>T on transcript NM_020937.4 (MANE Select); coding-DNA position 4187, C replaced by T.
Protein change: p.Pro1396Leu; replaces proline 1396 with leucine.
Molecular consequence: missense variant.
Genome position (GRCh38, 1-based): chr14:45,176,941, C>T. VCF-style: chr14-45176941-C-T. GRCh37 (hg19) VCF-style: chr14-45646144-C-T.
Other names: c.4187C>T (NM_020937.3); c.4109C>T, p.Pro1370Leu (NM_001308133.2); short protein forms P1370L, P1396L.
Identifiers: ClinVar variation 856367 (VCV000856367.14), dbSNP rs762637141, ClinGen allele CA7169636.

ClinVar aggregate classification (germline): Uncertain significance. Review status: criteria provided, multiple submitters, no conflicts (2 of 4 stars). 5 submissions from 5 submitters: Uncertain significance (5). Last evaluated 2024-12-04.

Conditions:
Inborn genetic diseases. Identifiers: MedGen C0950123, MeSH D030342.
Spermatogenic failure 28. Identifiers: MedGen C4748117, MONDO:0054732, OMIM 618086.
Premature ovarian failure 15. Identifiers: MedGen C4748170, MONDO:0054862, OMIM 618096.
Fanconi anemia (FA). Also called: Fanconi's anemia. Identifiers: Orphanet 84, MedGen C0015625, MeSH D005199, MONDO:0019391.

Allele frequency attached by ClinVar (database versions not stated): gnomAD exomes 0.00001 and 0.00002; TOPMed 0.00017; gnomAD 0.00013 and 0.00012; ExAC 0.00003.

Submissions (5):

Quest Diagnostics Nichols Institute San Juan Capistrano
Classification: Uncertain significance. Last evaluated: 2024-12-04. Review status: criteria provided, single submitter. Criteria: Quest Diagnostics criteria. Collection method: clinical testing. Allele origin: unknown.
Comment: The FANCM c.4187C>T (p.Pro1396Leu) variant has not been reported in individuals with FANCM-related conditions in the published literature. The frequency of this variant in the general population (Genome Aggregation Database) is uninformative in the assessment of its pathogenicity. Analysis of this variant using bioinformatics tools for the prediction of the effect of amino acid changes on protein structure and function yielded predictions that this variant is benign. Based on the available information, we are unable to determine the clinical significance of this variant.

Ambry Genetics
Classification: Uncertain significance for Inborn genetic diseases. Last evaluated: 2024-11-23. Review status: criteria provided, single submitter. Criteria: Ambry Variant Classification Scheme 2023. Collection method: clinical testing. Allele origin: germline.
Comment: The p.P1396L variant (also known as c.4187C>T), located in coding exon 14 of the FANCM gene, results from a C to T substitution at nucleotide position 4187. The proline at codon 1396 is replaced by leucine, an amino acid with similar properties. This amino acid position is conserved. In addition, this alteration is predicted to be tolerated by in silico analysis. Based on the available evidence, the clinical significance of this variant remains unclear.

Labcorp Genetics (formerly Invitae), Labcorp
Classification: Uncertain significance for Fanconi anemia. Last evaluated: 2024-09-12. Review status: criteria provided, single submitter. Criteria: Invitae Variant Classification Sherloc (09022015). Collection method: clinical testing. Allele origin: germline.
Comment: This sequence change replaces proline, which is neutral and non-polar, with leucine, which is neutral and non-polar, at codon 1396 of the FANCM protein (p.Pro1396Leu). This variant is present in population databases (rs762637141, gnomAD 0.04%). This variant has not been reported in the literature in individuals affected with FANCM-related conditions. ClinVar contains an entry for this variant (Variation ID: 856367). An algorithm developed to predict the effect of missense changes on protein structure and function (PolyPhen-2) suggests that this variant is likely to be tolerated. In summary, the available evidence is currently insufficient to determine the role of this variant in disease. Therefore, it has been classified as a Variant of Uncertain Significance.

GeneDx
Classification: Uncertain significance. Last evaluated: 2024-02-05. Review status: criteria provided, single submitter. Criteria: GeneDx Variant Classification Process June 2021. Collection method: clinical testing. Allele origin: germline. Affected: yes.
Comment: In silico analysis supports that this missense variant does not alter protein structure/function; Has not been previously published as pathogenic or benign to our knowledge

Fulgent Genetics
Classification: Uncertain significance for Spermatogenic failure 28; Premature ovarian failure 15. Last evaluated: 2022-01-19. Review status: criteria provided, single submitter. Criteria: ACMG Guidelines, 2015. Collection method: clinical testing. Allele origin: unknown.